The following is an entry in ClinVar:

NM_001079872.2(CUL4B):c.1682C>T (p.Thr561Ile)

Gene: CUL4B (cullin 4B; minus strand). Cytogenetic location: Xq24.
Variant type: single nucleotide variant.
Coding change: c.1682C>T on transcript NM_001079872.2 (MANE Select); coding-DNA position 1682, C replaced by T.
Protein change: p.Thr561Ile; replaces threonine 561 with isoleucine.
Molecular consequence: missense variant.
Genome position (GRCh38, 1-based): chrX:120,539,327, G>A on the plus strand (C>T on the coding strand, the complement: CUL4B is on the minus strand). VCF-style: chrX-120539327-G-A. GRCh37 (hg19) VCF-style: chrX-119673182-G-A.
Other names: c.1697C>T, p.Thr566Ile (NM_001330624.2); c.1148C>T, p.Thr383Ile (NM_001369145.1); c.1736C>T, p.Thr579Ile (NM_003588.4); short protein forms T566I, T579I, T383I, T561I.
Identifiers: ClinVar variation 4767545 (VCV004767545.1).

ClinVar aggregate classification (germline): Uncertain significance (1 of 4 stars; one submission).

Conditions:
X-linked intellectual disability Cabezas type (MRXSC). Also called: CABEZAS SYNDROME; MENTAL RETARDATION, X-LINKED, SYNDROMIC 15; Intellectual developmental disorder, X-linked syndromic, Cabezas type. Identifiers: Orphanet 85289, Orphanet 85293, MedGen C1845861, MONDO:0010306, OMIM 300354.

Submission:

Labcorp Genetics (formerly Invitae), Labcorp
Classification: Uncertain significance for X-linked intellectual disability Cabezas type. Last evaluated: 2025-09-03. Review status: criteria provided, single submitter. Criteria: Invitae Variant Classification Sherloc (09022015). Collection method: clinical testing. Allele origin: germline.
Comment: This sequence change replaces threonine, which is neutral and polar, with isoleucine, which is neutral and non-polar, at codon 579 of the CUL4B protein (p.Thr579Ile). This variant is not present in population databases (gnomAD no frequency). This variant has not been reported in the literature in individuals affected with CUL4B-related conditions. Invitae Evidence Modeling of protein sequence and biophysical properties (such as structural, functional, and spatial information, amino acid conservation, physicochemical variation, residue mobility, and thermodynamic stability) indicates that this missense variant is expected to disrupt CUL4B protein function with a positive predictive value of 95%. In summary, the available evidence is currently insufficient to determine the role of this variant in disease. Therefore, it has been classified as a Variant of Uncertain Significance.